The following is an entry in ClinVar:

ClinVar aggregate classification (germline): Likely benign. Review status: criteria provided, multiple submitters, no conflicts (2 of 4 stars). 3 submissions from 3 submitters: Likely benign (3). Last evaluated 2025-01-12.

Conditions:
Familial hypobetalipoproteinemia 1. Also called: APOB-Related Familial Hypobetalipoproteinemia; Hypobetalipoproteinemia, normotriglyceridemic; Acanthocytosis with hypobetalipoproteinemia. Identifiers: MedGen C4551990, MONDO:0014252, OMIM 615558.
Hypercholesterolemia, autosomal dominant, type B (FHCL2). Also called: Hyperlipoproteinemia Type IIb; Familial hypercholesterolemia 2; Familial Hypercholesterolemia Type B; APOLIPOPROTEIN B-100, FAMILIAL DEFECTIVE; APOLIPOPROTEIN B-100, FAMILIAL LIGAND-DEFECTIVE; HYPERCHOLESTEROLEMIA, FAMILIAL, DUE TO LIGAND-DEFECTIVE APOLIPOPROTEIN B. Identifiers: MedGen C1704417, MONDO:0007751, OMIM 144010.
Familial hypercholesterolemia. Also called: Familial hypercholesterolemias; Familial hypercholesterolaemia. Identifiers: MedGen C0020445, MONDO:0005439.
Cardiovascular phenotype. Identifiers: MedGen CN230736.

Allele frequency attached by ClinVar (database versions not stated): gnomAD exomes below 0.00001; TOPMed below 0.00001; gnomAD 0.00001.
gnomAD v4.1: 6 of 1,613,906 alleles (0.00037%); highest among the groups gnomAD compares: Non-Finnish European, 0.00051%; no homozygotes.

Submissions (3):

Labcorp Genetics (formerly Invitae), Labcorp
Classification: Likely benign for Familial hypobetalipoproteinemia 1; Hypercholesterolemia, autosomal dominant, type B. Last evaluated: 2025-01-12. Review status: criteria provided, single submitter. Criteria: Invitae Variant Classification Sherloc (09022015). Collection method: clinical testing. Allele origin: germline.

GENinCode PLC
Classification: Likely benign for Familial hypercholesterolemia. Last evaluated: 2025-01-09. Review status: criteria provided, single submitter. Criteria: ACMG Guidelines, 2015. Collection method: clinical testing. Allele origin: germline.
Comment: This is a synonymous (silent) variant that is not predicted to impact splicing and occurs at a nucleotide which is not highly conserved. This variant has been classified as Likely Benign (BP4, BP7).

Ambry Genetics
Classification: Likely benign for Cardiovascular phenotype. Last evaluated: 2021-09-15. Review status: criteria provided, single submitter. Criteria: Ambry Variant Classification Scheme 2023. Collection method: clinical testing. Allele origin: germline.

NM_000384.3(APOB):c.1305T>C (p.Asp435=)

Gene: APOB (apolipoprotein B; minus strand). Cytogenetic location: 2p24.1.
Variant type: single nucleotide variant.
Coding change: c.1305T>C on transcript NM_000384.3 (MANE Select); coding-DNA position 1305, T replaced by C.
Protein change: p.Asp435=; no amino-acid change (aspartic acid 435 retained).
Molecular consequence: synonymous variant.
Genome position (GRCh38, 1-based): chr2:21,032,401, A>G on the plus strand (T>C on the coding strand, the complement: APOB is on the minus strand). VCF-style: chr2-21032401-A-G. GRCh37 (hg19) VCF-style: chr2-21255273-A-G.
Identifiers: ClinVar variation 1769511 (VCV001769511.5), dbSNP rs762687581, ClinGen allele CA43460120.
Genomic context (GRCh38, chr2:21,032,401, plus strand): 5'-TGTGGAAACTCACTTGTTGACCGCGTGGCTCAGCGCATACAAGGTGGCTCGGCTGCGCTG[A>G]TCCCTCGCCATGTTGAAGATCTCTCGCAGCTGCTGTGCTGAGGGCTCGGGGATCAGGGCC-3'
Protein context (NP_000375.3, residues 425-445): QLREIFNMAR[Asp435=]QRSRATLYAL